The following is an entry in ClinVar:

ClinVar aggregate classification (germline): Pathogenic (1 of 4 stars; one submission).

Conditions:
Hereditary cancer-predisposing syndrome. Also called: Tumor predisposition; Hereditary Cancer Syndrome; Neoplastic Syndromes, Hereditary; Hereditary neoplastic syndrome. Identifiers: Orphanet 140162, MedGen C0027672, MeSH D009386, MONDO:0015356.

Submission:

Ambry Genetics
Classification: Pathogenic for Hereditary cancer-predisposing syndrome. Last evaluated: 2019-11-13. Review status: criteria provided, single submitter. Criteria: Ambry Variant Classification Scheme 2023. Collection method: clinical testing. Allele origin: germline.
Comment: The c.2599_2626del28 variant, located in coding exon 9 of the BRCA1 gene, results from a deletion of 28 nucleotides at nucleotide positions 2599 to 2626, causing a translational frameshift with a predicted alternate stop codon (p.Q867Efs*17). This alteration is expected to result in loss of function by premature protein truncation or nonsense-mediated mRNA decay. As such, this alteration is interpreted as a disease-causing mutation.

NM_007294.4(BRCA1):c.2599_2626del (p.Gln867fs)

Gene: BRCA1 (BRCA1 DNA repair associated; minus strand). Cytogenetic location: 17q21.31.
Variant type: Deletion.
Coding change: c.2599_2626del on transcript NM_007294.4 (MANE Select); coding-DNA positions 2599 to 2626, 28 bases deleted (CAGTCATTTGCTCCGTTTTCAAATCCAG).
Protein change: p.Gln867fs; shifts the reading frame from glutamine 867.
Molecular consequence: frameshift variant. On other transcripts: intron variant (137).
Genome position (GRCh38, 1-based): chr17:43,092,905-43,092,932, CTGGATTTGAAAACGGAGCAAATGACTG deleted on the plus strand (CAGTCATTTGCTCCGTTTTCAAATCCAG on the coding strand, the reverse complement: BRCA1 is on the minus strand). VCF-style (leftmost placement, unchanged base first): chr17-43092904-CCTGGATTTGAAAACGGAGCAAATGACTG-C. GRCh37 (hg19) VCF-style: chr17-41244921-CCTGGATTTGAAAACGGAGCAAATGACTG-C.
Other names: c.2389_2416del, p.Gln797fs (NM_001407902.1, NM_001407906.1, NM_001407904.1 and 13 more transcripts); c.2386_2413del, p.Gln796fs (NM_001407899.1, NM_001407571.1, NM_001407853.1 and 9 more transcripts); c.574+1812_574+1839del (NM_001408490.1, NM_001408491.1, NM_001408493.1); c.454+1812_454+1839del (NM_001408502.1); c.577+1812_577+1839del (NM_001408489.1, NM_001408479.1, NM_001408482.1 and 9 more transcripts); c.661+1812_661+1839del (NM_001408445.1, NM_001408432.1, NM_001408450.1 and 6 more transcripts); c.668-1900_668-1873del (NM_001408431.1, NM_001408424.1, NM_001408421.1); c.784+1812_784+1839del (NM_001408407.1, NM_001408402.1, NM_001408473.1 and 13 more transcripts); and 41 more; short protein forms Q820fs, Q867fs, Q739fs, Q796fs, Q819fs, Q825fs, Q571fs, Q740fs.
Identifiers: ClinVar variation 1793596 (VCV001793596.2), dbSNP rs2552185996, ClinGen allele CA2580094007.